The following is an entry in ClinVar:

NM_004006.3(DMD):c.93+240A>G

Gene: DMD (dystrophin; minus strand). Cytogenetic location: Xp21.1.
Variant type: single nucleotide variant.
Coding change: c.93+240A>G on transcript NM_004006.3 (MANE Select); 240 bases into the intron after coding-DNA position 93, A replaced by G.
Molecular consequence: intron variant.
Genome position (GRCh38, 1-based): chrX:33,019,899, T>C on the plus strand (A>G on the coding strand, the complement: DMD is on the minus strand). VCF-style: chrX-33019899-T-C. GRCh37 (hg19) VCF-style: chrX-33038016-T-C.
Other names: c.69+240A>G (NM_000109.4); c.81+240A>G (NM_004009.3); c.-277+240A>G (NM_004010.3).
Identifiers: ClinVar variation 677500 (VCV000677500.1), dbSNP rs16990838, ClinGen allele CA328597036.
Genomic context (GRCh38, chrX:33,019,899, plus strand): 5'-CTAGCTACTTGATGGAAGATTGCAGCTATAAACTCTGAGGACTCATGTCATTAAAGAAAC[T>C]CACATTGTCAAGAAGAATCAAAGATATACATTTTATATAATTAAATAGTGTATCTTTGCC-3'

ClinVar aggregate classification (germline): Benign (1 of 4 stars; one submission).

Allele frequency attached by ClinVar (database versions not stated): gnomAD 0.06581 and 0.07052; 1000 Genomes Project 0.06596; 1000 Genomes Project 30x 0.06951; TOPMed 0.07507.
gnomAD v4.1: 7,247 of 111,151 alleles (6.5%); highest among the groups gnomAD compares: African/African-American, 22%; 586 homozygotes.

Submission:

GeneDx
Classification: Benign. Last evaluated: 2018-06-14. Review status: criteria provided, single submitter. Criteria: GeneDx Variant Classification (06012015). Collection method: clinical testing. Allele origin: germline. Affected: yes.
Comment: This variant is considered likely benign or benign based on one or more of the following criteria: it is a conservative change, it occurs at a poorly conserved position in the protein, it is predicted to be benign by multiple in silico algorithms, and/or has population frequency not consistent with disease.